The following is an entry in ClinVar:

ClinVar aggregate classification (germline): Uncertain significance (1 of 4 stars; one submission).

Conditions:
Malignant hyperthermia, susceptibility to, 5 (MHS5). Also called: CACNA1S-Related Malignant Hyperthermia Susceptibility. Identifiers: Orphanet 423, MedGen C1866077, MONDO:0011163, OMIM 601887.
Hypokalemic periodic paralysis, type 1. Also called: HypoPP; Hypokalemic Periodic Paralysis Type 1 (AD). Identifiers: Orphanet 681, MedGen C3714580, MONDO:0042979, OMIM 170400.

gnomAD v4.1: 10 of 1,613,276 alleles (0.00062%); highest among the groups gnomAD compares: Non-Finnish European, 0.00076%; no homozygotes.

Submission:

Labcorp Genetics (formerly Invitae), Labcorp
Classification: Uncertain significance for Hypokalemic periodic paralysis, type 1; Malignant hyperthermia, susceptibility to, 5. Last evaluated: 2025-06-24. Review status: criteria provided, single submitter. Criteria: Invitae Variant Classification Sherloc (09022015). Collection method: clinical testing. Allele origin: germline.
Comment: This sequence change replaces asparagine, which is neutral and polar, with serine, which is neutral and polar, at codon 327 of the CACNA1S protein (p.Asn327Ser). This variant is present in population databases (no rsID available, gnomAD 0.01%). This variant has not been reported in the literature in individuals affected with CACNA1S-related conditions. Invitae Evidence Modeling of protein sequence and biophysical properties (such as structural, functional, and spatial information, amino acid conservation, physicochemical variation, residue mobility, and thermodynamic stability) has been performed for this missense variant. However, the output from this modeling did not meet the statistical confidence thresholds required to predict the impact of this variant on CACNA1S protein function. In summary, the available evidence is currently insufficient to determine the role of this variant in disease. Therefore, it has been classified as a Variant of Uncertain Significance.

NM_000069.3(CACNA1S):c.980A>G (p.Asn327Ser)

Gene: CACNA1S (calcium voltage-gated channel subunit alpha1 S; minus strand). Cytogenetic location: 1q32.1.
Variant type: single nucleotide variant.
Coding change: c.980A>G on transcript NM_000069.3 (MANE Select); coding-DNA position 980, A replaced by G.
Protein change: p.Asn327Ser; replaces asparagine 327 with serine.
Molecular consequence: missense variant.
Genome position (GRCh38, 1-based): chr1:201,087,850, T>C on the plus strand (A>G on the coding strand, the complement: CACNA1S is on the minus strand). VCF-style: chr1-201087850-T-C. GRCh37 (hg19) VCF-style: chr1-201056978-T-C.
Other names: short protein forms N327S.
Identifiers: ClinVar variation 4788824 (VCV004788824.1).
Genomic context (GRCh38, chr1:201,087,850, plus strand): 5'-TCTCTTTTCTCCCCTGGCTACCTTTGAATTTCTTACCCACTCAGGACACCCAGCACCAGG[T>C]TGAGGATGAAGAAGGATCCCAGCAAAATGAGGGTGACAAAATAGATCCAGGGCCACTCAT-3'
Protein context (NP_000060.2, residues 317-337): LILLGSFFIL[Asn327Ser]LVLGVLSGEF